The following is an entry in ClinVar:

NM_000245.4(MET):c.2032A>G (p.Thr678Ala)

Gene: MET (MET proto-oncogene, receptor tyrosine kinase; plus strand). Cytogenetic location: 7q31.2.
Variant type: single nucleotide variant.
Coding change: c.2032A>G on transcript NM_000245.4 (MANE Select); coding-DNA position 2032, A replaced by G.
Protein change: p.Thr678Ala; replaces threonine 678 with alanine.
Molecular consequence: missense variant.
Genome position (GRCh38, 1-based): chr7:116,757,704, A>G. VCF-style: chr7-116757704-A-G. GRCh37 (hg19) VCF-style: chr7-116397758-A-G.
Other names: c.2032A>G, p.Thr678Ala (NM_001127500.3, NM_001324401.3); c.742A>G, p.Thr248Ala (NM_001324402.2); short protein forms T248A, T678A.
Identifiers: ClinVar variation 3872340 (VCV003872340.1).

ClinVar aggregate classification (germline): Uncertain significance (1 of 4 stars; one submission).

Conditions:
Hereditary cancer-predisposing syndrome. Also called: Tumor predisposition; Neoplastic Syndromes, Hereditary; Hereditary Cancer Syndrome; Hereditary neoplastic syndrome. Identifiers: Orphanet 140162, MedGen C0027672, MeSH D009386, MONDO:0015356.

Submission:

Ambry Genetics
Classification: Uncertain significance for Hereditary cancer-predisposing syndrome. Last evaluated: 2025-02-12. Review status: criteria provided, single submitter. Criteria: Ambry Variant Classification Scheme 2023. Collection method: clinical testing. Allele origin: germline.
Comment: The p.T678A variant (also known as c.2032A>G), located in coding exon 7 of the MET gene, results from an A to G substitution at nucleotide position 2032. The threonine at codon 678 is replaced by alanine, an amino acid with similar properties. This amino acid position is well conserved in available vertebrate species. In addition, this alteration is predicted to be tolerated by in silico analysis. Based on the available evidence, the clinical significance of this variant remains unclear.